The following is an entry in ClinVar:

NM_021625.5(TRPV4):c.387-6C>T

Gene: TRPV4 (transient receptor potential cation channel subfamily V member 4; minus strand). Cytogenetic location: 12q24.11.
Variant type: single nucleotide variant.
Coding change: c.387-6C>T on transcript NM_021625.5 (MANE Select); 6 bases into the intron before coding-DNA position 387, C replaced by T.
Molecular consequence: intron variant.
Genome position (GRCh38, 1-based): chr12:109,808,474, G>A on the plus strand (C>T on the coding strand, the complement: TRPV4 is on the minus strand). VCF-style: chr12-109808474-G-A. GRCh37 (hg19) VCF-style: chr12-110246279-G-A.
Other names: c.387-6C>T (NM_001177433.1, NM_001177428.1, NM_147204.2); c.285-6C>T (NM_001177431.1).
Identifiers: ClinVar variation 536880 (VCV000536880.11), dbSNP rs775634013, ClinGen allele CA6780555.

ClinVar aggregate classification (germline): Conflicting classifications of pathogenicity. Review status: criteria provided, conflicting classifications (1 of 4 stars). 2 submissions from 2 submitters: Uncertain significance (1); Likely benign (1). Last evaluated 2025-11-13.

Conditions:
Inborn genetic diseases. Identifiers: MedGen C0950123, MeSH D030342.
Charcot-Marie-Tooth disease axonal type 2C (HMSN2C). Also called: CHARCOT-MARIE-TOOTH DISEASE, AXONAL, AUTOSOMAL DOMINANT, TYPE 2C; Charcot-Marie-Tooth Neuropathy Type 2C; Charcot-Marie-Tooth Disease Type 2, TRPV4-Related (CMT2C). Identifiers: Orphanet 99937, MedGen C1853710, MONDO:0011633, OMIM 606071.

Allele frequency attached by ClinVar (database versions not stated): gnomAD exomes 0.00003 and 0.00002; gnomAD 0.00004 and 0.00003; TOPMed 0.00002; ExAC 0.00004.
gnomAD v4.1: 43 of 1,608,956 alleles (0.0027%); highest among the groups gnomAD compares: Non-Finnish European, 0.0033%; no homozygotes.

Submissions (2):

Labcorp Genetics (formerly Invitae), Labcorp
Classification: Likely benign for Charcot-Marie-Tooth disease axonal type 2C. Last evaluated: 2025-11-13. Review status: criteria provided, single submitter. Criteria: Invitae Variant Classification Sherloc (09022015). Collection method: clinical testing. Allele origin: germline.

Ambry Genetics
Classification: Uncertain significance for Inborn genetic diseases. Last evaluated: 2022-08-30. Review status: criteria provided, single submitter. Criteria: Ambry Variant Classification Scheme 2023. Collection method: clinical testing. Allele origin: germline.
Comment: The c.387-6C>T intronic variant results from a C to T substitution 6 nucleotides upstream from coding exon 2 in the TRPV4 gene. This nucleotide position is not well conserved in available vertebrate species. In silico splice site analysis predicts that this alteration will not have any significant effect on splicing. Since supporting evidence is limited at this time, the clinical significance of this alteration remains unclear.